The following is an entry in ClinVar:

ClinVar aggregate classification (germline): Uncertain significance. Review status: criteria provided, multiple submitters, no conflicts (2 of 4 stars). 3 submissions from 3 submitters: Uncertain significance (3). Last evaluated 2025-10-01.

Conditions:
Hereditary cancer-predisposing syndrome. Also called: Hereditary Cancer Syndrome; Hereditary neoplastic syndrome; Tumor predisposition; Neoplastic Syndromes, Hereditary. Identifiers: Orphanet 140162, MedGen C0027672, MeSH D009386, MONDO:0015356.

Allele frequency attached by ClinVar (database versions not stated): ExAC 0.00001; gnomAD exomes 0.00001.
gnomAD v4.1: 12 of 1,614,226 alleles (0.00074%); highest among the groups gnomAD compares: South Asian, 0.0077%; no homozygotes.

Submissions (3):

Labcorp Genetics (formerly Invitae), Labcorp
Classification: Uncertain significance. Last evaluated: 2025-10-01. Review status: criteria provided, single submitter. Criteria: Invitae Variant Classification Sherloc (09022015). Collection method: clinical testing. Allele origin: germline.
Comment: This sequence change replaces alanine, which is neutral and non-polar, with valine, which is neutral and non-polar, at codon 251 of the CTNNA1 protein (p.Ala251Val). This variant is present in population databases (rs775541936, gnomAD 0.002%). This variant has not been reported in the literature in individuals affected with CTNNA1-related conditions. ClinVar contains an entry for this variant (Variation ID: 1401059). Invitae Evidence Modeling of protein sequence and biophysical properties (such as structural, functional, and spatial information, amino acid conservation, physicochemical variation, residue mobility, and thermodynamic stability) indicates that this missense variant is expected to disrupt CTNNA1 protein function with a positive predictive value of 80%. RNA analysis performed to evaluate the impact of this missense change on mRNA splicing indicates it does not significantly alter splicing (internal data). In summary, the available evidence is currently insufficient to determine the role of this variant in disease. Therefore, it has been classified as a Variant of Uncertain Significance.

Ambry Genetics
Classification: Uncertain significance for Hereditary cancer-predisposing syndrome. Last evaluated: 2024-05-07. Review status: criteria provided, single submitter. Criteria: Ambry Variant Classification Scheme 2023. Collection method: clinical testing. Allele origin: germline.
Comment: The p.A251V variant (also known as c.752C>T), located in coding exon 5 of the CTNNA1 gene, results from a C to T substitution at nucleotide position 752. The alanine at codon 251 is replaced by valine, an amino acid with similar properties. This amino acid position is highly conserved in available vertebrate species. In addition, this alteration is predicted to be deleterious by in silico analysis. Since supporting evidence is limited at this time, the clinical significance of this alteration remains unclear.

GeneDx
Classification: Uncertain significance. Last evaluated: 2023-03-02. Review status: criteria provided, single submitter. Criteria: GeneDx Variant Classification Process June 2021. Collection method: clinical testing. Allele origin: germline. Affected: yes.
Comment: In silico analysis supports that this missense variant has a deleterious effect on protein structure/function; Has not been previously published as pathogenic or benign to our knowledge

NM_001903.5(CTNNA1):c.752C>T (p.Ala251Val)

Gene: CTNNA1 (catenin alpha 1; plus strand). Cytogenetic location: 5q31.2.
Variant type: single nucleotide variant.
Coding change: c.752C>T on transcript NM_001903.5 (MANE Select); coding-DNA position 752, C replaced by T.
Protein change: p.Ala251Val; replaces alanine 251 with valine.
Molecular consequence: missense variant.
Genome position (GRCh38, 1-based): chr5:138,824,693, C>T. VCF-style: chr5-138824693-C-T. GRCh37 (hg19) VCF-style: chr5-138160382-C-T.
Other names: c.752C>T, p.Ala251Val (NM_001290307.3, NM_001323982.2, NM_001323983.1 and 3 more transcripts); c.443C>T, p.Ala148Val (NM_001290309.3); c.383C>T, p.Ala128Val (NM_001290310.3); c.752C>T (NM_001903.3); short protein forms A251V, A128V, A148V.
Identifiers: ClinVar variation 1401059 (VCV001401059.9), dbSNP rs775541936, ClinGen allele CA3431551.